The following is an entry in ClinVar:

NM_018685.5(ANLN):c.340A>G (p.Ser114Gly)

Gene: ANLN (anillin, actin binding protein; plus strand). Cytogenetic location: 7p14.2.
Variant type: single nucleotide variant.
Coding change: c.340A>G on transcript NM_018685.5 (MANE Select); coding-DNA position 340, A replaced by G.
Protein change: p.Ser114Gly; replaces serine 114 with glycine.
Molecular consequence: missense variant.
Genome position (GRCh38, 1-based): chr7:36,399,246, A>G. VCF-style: chr7-36399246-A-G. GRCh37 (hg19) VCF-style: chr7-36438855-A-G.
Other names: c.340A>G, p.Ser114Gly (NM_001284301.3, NM_001284302.3); short protein forms S114G.
Identifiers: ClinVar variation 1432831 (VCV001432831.6), dbSNP rs1434477220, ClinGen allele CA367204493.

ClinVar aggregate classification (germline): Uncertain significance (1 of 4 stars; one submission).

Allele frequency attached by ClinVar (database versions not stated): gnomAD exomes below 0.00001; TOPMed below 0.00001.
gnomAD v4.1: 2 of 1,614,188 alleles (0.00012%); highest among the groups gnomAD compares: Admixed American, 0.0017%; no homozygotes.

Submission:

Labcorp Genetics (formerly Invitae), Labcorp
Classification: Uncertain significance. Last evaluated: 2025-11-23. Review status: criteria provided, single submitter. Criteria: Invitae Variant Classification Sherloc (09022015). Collection method: clinical testing. Allele origin: germline.
Comment: This sequence change replaces serine, which is neutral and polar, with glycine, which is neutral and non-polar, at codon 114 of the ANLN protein (p.Ser114Gly). This variant is present in population databases (no rsID available, gnomAD 0.003%). This variant has not been reported in the literature in individuals affected with ANLN-related conditions. ClinVar contains an entry for this variant (Variation ID: 1432831). An algorithm developed to predict the effect of missense changes on protein structure and function outputs the following: PolyPhen-2: "Benign". The glycine amino acid residue is found in multiple mammalian species, which suggests that this missense change does not adversely affect protein function. In summary, the available evidence is currently insufficient to determine the role of this variant in disease. Therefore, it has been classified as a Variant of Uncertain Significance.